The following is an entry in ClinVar:

NM_025144.4(ALPK1):c.582G>T (p.Ser194=)

Gene: ALPK1 (alpha kinase 1; plus strand). Cytogenetic location: 4q25.
Variant type: single nucleotide variant.
Coding change: c.582G>T on transcript NM_025144.4 (MANE Select); coding-DNA position 582, G replaced by T.
Protein change: p.Ser194=; no amino-acid change (serine 194 retained).
Molecular consequence: synonymous variant.
Genome position (GRCh38, 1-based): chr4:112,425,711, G>T. VCF-style: chr4-112425711-G-T. GRCh37 (hg19) VCF-style: chr4-113346867-G-T.
Other names: c.582G>T, p.Ser194= (NM_001102406.2); c.348G>T, p.Ser116= (NM_001253884.2).
Identifiers: ClinVar variation 2418368 (VCV002418368.5), dbSNP rs148738985, ClinGen allele CA3046454.

ClinVar aggregate classification (germline): Uncertain significance (1 of 4 stars; one submission).

Allele frequency attached by ClinVar (database versions not stated): ExAC 0.00001; ESP Exome Variant Server 0.00008.
gnomAD v4.1: 1 of 1,612,962 alleles (0.000062%); highest among the groups gnomAD compares: Admixed American, 0.0017%; no homozygotes.

Submission:

Labcorp Genetics (formerly Invitae), Labcorp
Classification: Uncertain significance. Last evaluated: 2022-09-27. Review status: criteria provided, single submitter. Criteria: Invitae Variant Classification Sherloc (09022015). Collection method: clinical testing. Allele origin: germline.
Comment: This variant has not been reported in the literature in individuals affected with ALPK1-related conditions. This sequence change affects codon 194 of the ALPK1 mRNA. It is a 'silent' change, meaning that it does not change the encoded amino acid sequence of the ALPK1 protein. This variant is present in population databases (rs148738985, gnomAD 0.003%). Algorithms developed to predict the effect of sequence changes on RNA splicing suggest that this variant may disrupt the consensus splice site. In summary, the available evidence is currently insufficient to determine the role of this variant in disease. Therefore, it has been classified as a Variant of Uncertain Significance.